The following is an entry in ClinVar:

NM_012452.3(TNFRSF13B):c.415T>C (p.Leu139=)

Gene: TNFRSF13B (TNF receptor superfamily member 13B; minus strand). Cytogenetic location: 17p11.2.
Variant type: single nucleotide variant.
Coding change: c.415T>C on transcript NM_012452.3 (MANE Select); coding-DNA position 415, T replaced by C.
Protein change: p.Leu139=; no amino-acid change (leucine 139 retained).
Molecular consequence: synonymous variant.
Genome position (GRCh38, 1-based): chr17:16,948,768, A>G on the plus strand (T>C on the coding strand, the complement: TNFRSF13B is on the minus strand). VCF-style: chr17-16948768-A-G. GRCh37 (hg19) VCF-style: chr17-16852082-A-G.
Identifiers: ClinVar variation 768835 (VCV000768835.17), dbSNP rs141494621, ClinGen allele CA8414020.

ClinVar aggregate classification (germline): Benign/Likely benign. Review status: criteria provided, multiple submitters, no conflicts (2 of 4 stars). 5 submissions from 5 submitters: Benign (2); Likely benign (2). 1 of the submissions does not count toward it. Last evaluated 2026-01-20.

Conditions:
Immunodeficiency, common variable, 2 (CVID2). Also called: ANTIBODY DEFICIENCY DUE TO TACI DEFECT; HYPOGAMMAGLOBULINEMIA DUE TO TACI DEFICIENCY. Identifiers: Orphanet 1572, MedGen C3150354, MONDO:0009413, OMIM 240500.
TNFRSF13B-related disorder. Also called: TNFRSF13B-related condition.

Allele frequency attached by ClinVar (database versions not stated): gnomAD exomes 0.00012 and 0.00029; ExAC 0.00035; 1000 Genomes Project 30x 0.00109; gnomAD 0.00115 and 0.00121; 1000 Genomes Project 0.00120; TOPMed 0.00142; ESP Exome Variant Server 0.00169.
gnomAD v4.1: 355 of 1,614,118 alleles (0.022%); highest among the groups gnomAD compares: African/African-American, 0.42%; 3 homozygotes.

Submissions (5):

Labcorp Genetics (formerly Invitae), Labcorp
Classification: Benign for Immunodeficiency, common variable, 2. Last evaluated: 2026-01-20. Review status: criteria provided, single submitter. Criteria: Invitae Variant Classification Sherloc (09022015). Collection method: clinical testing. Allele origin: germline.

ARUP Laboratories, Molecular Genetics and Genomics, ARUP Laboratories
Classification: Likely benign. Last evaluated: 2025-07-08. Review status: criteria provided, single submitter. Criteria: ARUP Molecular Germline Variant Investigation Process 2024. Collection method: clinical testing. Allele origin: germline.

Blueprint Genetics
Classification: Likely benign. Last evaluated: 2024-10-18. Review status: criteria provided, single submitter. Criteria: ACMG Guidelines, 2015. Collection method: clinical testing. Allele origin: germline.

Genetic Services Laboratory, University of Chicago
Classification: Benign. Last evaluated: 2021-05-26. Review status: criteria provided, single submitter. Criteria: ACMG Guidelines, 2015. Collection method: clinical testing. Allele origin: germline. Affected: no.

PreventionGenetics, part of Exact Sciences
Classification: Likely benign for TNFRSF13B-related condition. Last evaluated: 2020-01-29. Review status: no assertion criteria provided. Collection method: clinical testing. Allele origin: germline. Not counted in ClinVar's aggregate classification.
Comment: This variant is classified as likely benign based on ACMG/AMP sequence variant interpretation guidelines (Richards et al. 2015 PMID: 25741868, with internal and published modifications).